The following is an entry in ClinVar:

ClinVar aggregate classification (germline): Uncertain significance. Review status: criteria provided, multiple submitters, no conflicts (2 of 4 stars). 3 submissions from 3 submitters: Uncertain significance (3). Last evaluated 2024-12-21.

Conditions:
Werner syndrome (WRN). Identifiers: Orphanet 902, MedGen C0043119, MONDO:0010196, OMIM 277700.
Inborn genetic diseases. Identifiers: MedGen C0950123, MeSH D030342.

Allele frequency attached by ClinVar (database versions not stated): ExAC 0.00001; gnomAD 0.00001 and 0.00003; gnomAD exomes 0.00001; TOPMed 0.00003.
gnomAD v4.1: 36 of 1,613,460 alleles (0.0022%); highest among the groups gnomAD compares: African/African-American, 0.0027%; no homozygotes.

Submissions (3):

Labcorp Genetics (formerly Invitae), Labcorp
Classification: Uncertain significance for Werner syndrome. Last evaluated: 2024-12-21. Review status: criteria provided, single submitter. Criteria: Invitae Variant Classification Sherloc (09022015). Collection method: clinical testing. Allele origin: germline.
Comment: This sequence change replaces arginine, which is basic and polar, with cysteine, which is neutral and slightly polar, at codon 149 of the WRN protein (p.Arg149Cys). This variant is present in population databases (rs752693894, gnomAD 0.007%). This variant has not been reported in the literature in individuals affected with WRN-related conditions. ClinVar contains an entry for this variant (Variation ID: 528104). An algorithm developed to predict the effect of missense changes on protein structure and function outputs the following: PolyPhen-2: "Benign". The cysteine amino acid residue is found in multiple mammalian species, which suggests that this missense change does not adversely affect protein function. RNA analysis performed to evaluate the impact of this missense change on mRNA splicing indicates it does not significantly alter splicing (internal data). In summary, the available evidence is currently insufficient to determine the role of this variant in disease. Therefore, it has been classified as a Variant of Uncertain Significance.

Ambry Genetics
Classification: Uncertain significance for Inborn genetic diseases. Last evaluated: 2024-09-03. Review status: criteria provided, single submitter. Criteria: Ambry Variant Classification Scheme 2023. Collection method: clinical testing. Allele origin: germline.

Fulgent Genetics
Classification: Uncertain significance for Werner syndrome. Last evaluated: 2024-01-08. Review status: criteria provided, single submitter. Criteria: ACMG Guidelines, 2015. Collection method: clinical testing. Allele origin: germline.

NM_000553.6(WRN):c.445C>T (p.Arg149Cys)

Gene: WRN (WRN RecQ like helicase; plus strand). Cytogenetic location: 8p12.
Variant type: single nucleotide variant.
Coding change: c.445C>T on transcript NM_000553.6 (MANE Select); coding-DNA position 445, C replaced by T.
Protein change: p.Arg149Cys; replaces arginine 149 with cysteine.
Molecular consequence: missense variant.
Genome position (GRCh38, 1-based): chr8:31,065,004, C>T. VCF-style: chr8-31065004-C-T. GRCh37 (hg19) VCF-style: chr8-30922520-C-T.
Other names: short protein forms R149C.
Identifiers: ClinVar variation 528104 (VCV000528104.8), dbSNP rs752693894, ClinGen allele CA4704067.
Genomic context (GRCh38, chr8:31,065,004, plus strand): 5'-GAAAATAAAGCAGTTAAAAAGGCAGGTGTAGGAATTGAAGGAGATCAGTGGAAACTTCTA[C>T]GTGACTTTGATATCAAATTGAAGAATTTTGTGGAGTTGACAGATGTTGCCAATAAAAAGG-3'
Protein context (NP_000544.2, residues 139-159): GIEGDQWKLL[Arg149Cys]DFDIKLKNFV